The following is an entry in ClinVar:

NM_001267550.2(TTN):c.4451C>T (p.Pro1484Leu)

Genes: TTN (titin; minus strand), LOC101927055 (uncharacterized LOC101927055; plus strand). Cytogenetic location: 2q31.2.
Variant type: single nucleotide variant.
Coding change: c.4451C>T on transcript NM_001267550.2 (MANE Select); coding-DNA position 4451, C replaced by T.
Protein change: p.Pro1484Leu; replaces proline 1484 with leucine.
Molecular consequence: missense variant. On other transcripts: non-coding transcript variant (1).
Genome position (GRCh38, 1-based): chr2:178,777,733, G>A on the plus strand (C>T on the coding strand, the complement: TTN is on the minus strand). VCF-style: chr2-178777733-G-A. GRCh37 (hg19) VCF-style: chr2-179642460-G-A.
Other names: c.4451C>T, p.Pro1484Leu (NM_001256850.1, NM_133378.4, NM_133379.5); c.4313C>T, p.Pro1438Leu (NM_003319.4, NM_133432.3, NM_133437.4); short protein forms P1484L, P1438L.
Identifiers: ClinVar variation 1739646 (VCV001739646.2), dbSNP rs2092381354, ClinGen allele CA349468343.
Genomic context (GRCh38, chr2:178,777,733, plus strand): 5'-TGATTCATGAGCAAAAACTTATCACGCTTACCATCATGAAACCAGAACGTCTCTGGCATA[G>A]GTCTACCAACAACCTTTAAGTCAAATCTGGCAGTTTGCCCTTCTAAACATTTGAAAGAAA-3'
Protein context (NP_001254479.2, residues 1474-1494): ARFDLKVVGR[Pro1484Leu]MPETFWFHDG

ClinVar aggregate classification (germline): Uncertain significance (1 of 4 stars; one submission).

Conditions:
Cardiovascular phenotype. Identifiers: MedGen CN230736.

gnomAD v4.1: 2 of 1,614,022 alleles (0.00012%); highest among the groups gnomAD compares: Non-Finnish European, 0.00017%; no homozygotes.

Submission:

Ambry Genetics
Classification: Uncertain significance for Cardiovascular phenotype. Last evaluated: 2019-10-24. Review status: criteria provided, single submitter. Criteria: Ambry Variant Classification Scheme 2023. Collection method: clinical testing. Allele origin: germline.
Comment: The p.P1438L variant (also known as c.4313C>T), located in coding exon 23 of the TTN gene, results from a C to T substitution at nucleotide position 4313. The proline at codon 1438 is replaced by leucine, an amino acid with similar properties. This amino acid position is highly conserved in available vertebrate species. In addition, the in silico prediction for this alteration is inconclusive. Since supporting evidence is limited at this time, the clinical significance of this alteration remains unclear.